The following is an entry in ClinVar:

ClinVar aggregate classification (germline): Uncertain significance (1 of 4 stars; one submission).

Submission:

Labcorp Genetics (formerly Invitae), Labcorp
Classification: Uncertain significance. Last evaluated: 2022-02-06. Review status: criteria provided, single submitter. Criteria: Invitae Variant Classification Sherloc (09022015). Collection method: clinical testing. Allele origin: germline.
Comment: In summary, the available evidence is currently insufficient to determine the role of this variant in disease. Therefore, it has been classified as a Variant of Uncertain Significance. Algorithms developed to predict the effect of missense changes on protein structure and function are either unavailable or do not agree on the potential impact of this missense change (SIFT: "Deleterious"; PolyPhen-2: "Probably Damaging"; Align-GVGD: "Class C0"). This variant has not been reported in the literature in individuals affected with BACH2-related conditions. This variant is not present in population databases (gnomAD no frequency). This sequence change replaces aspartic acid, which is acidic and polar, with asparagine, which is neutral and polar, at codon 649 of the BACH2 protein (p.Asp649Asn).

NM_021813.4(BACH2):c.1945G>A (p.Asp649Asn)

Gene: BACH2 (BACH transcriptional regulator 2; minus strand). Cytogenetic location: 6q15.
Variant type: single nucleotide variant.
Coding change: c.1945G>A on transcript NM_021813.4 (MANE Select); coding-DNA position 1945, G replaced by A.
Protein change: p.Asp649Asn; replaces aspartic acid 649 with asparagine.
Molecular consequence: missense variant.
Genome position (GRCh38, 1-based): chr6:89,938,242, C>T on the plus strand (G>A on the coding strand, the complement: BACH2 is on the minus strand). VCF-style: chr6-89938242-C-T. GRCh37 (hg19) VCF-style: chr6-90647961-C-T.
Other names: c.1945G>A, p.Asp649Asn (NM_001170794.2); short protein forms D649N.
Identifiers: ClinVar variation 2093733 (VCV002093733.4), dbSNP rs2533546039, ClinGen allele CA365069568.